The following is an entry in ClinVar:

ClinVar aggregate classification (germline): Uncertain significance (1 of 4 stars; one submission).

Submission:

Labcorp Genetics (formerly Invitae), Labcorp
Classification: Uncertain significance. Last evaluated: 2025-10-21. Review status: criteria provided, single submitter. Criteria: Invitae Variant Classification Sherloc (09022015). Collection method: clinical testing. Allele origin: germline.
Comment: This sequence change replaces proline, which is neutral and non-polar, with serine, which is neutral and polar, at codon 24 of the ENPP1 protein (p.Pro24Ser). The frequency data for this variant in the population databases is considered unreliable, as metrics indicate insufficient coverage at this position in the gnomAD database. This variant has not been reported in the literature in individuals affected with ENPP1-related conditions. An algorithm developed to predict the effect of missense changes on protein structure and function outputs the following: PolyPhen-2: "Not Available". The serine amino acid residue is found in multiple mammalian species, which suggests that this missense change does not adversely affect protein function. In summary, the available evidence is currently insufficient to determine the role of this variant in disease. Therefore, it has been classified as a Variant of Uncertain Significance.

NM_006208.3(ENPP1):c.70C>T (p.Pro24Ser)

Gene: ENPP1 (ectonucleotide pyrophosphatase/phosphodiesterase 1; plus strand). Cytogenetic location: 6q23.2.
Variant type: single nucleotide variant.
Coding change: c.70C>T on transcript NM_006208.3 (MANE Select); coding-DNA position 70, C replaced by T.
Protein change: p.Pro24Ser; replaces proline 24 with serine.
Molecular consequence: missense variant.
Genome position (GRCh38, 1-based): chr6:131,808,105, C>T. VCF-style: chr6-131808105-C-T. GRCh37 (hg19) VCF-style: chr6-132129245-C-T.
Other names: short protein forms P24S.
Identifiers: ClinVar variation 4762087 (VCV004762087.1).